The following is an entry in ClinVar:

ClinVar aggregate classification (germline): Uncertain significance (1 of 4 stars; one submission).

Conditions:
Inborn genetic diseases. Identifiers: MedGen C0950123, MeSH D030342.

Allele frequency attached by ClinVar (database versions not stated): TOPMed below 0.00001; gnomAD 0.00001.
gnomAD v4.1: 2 of 1,612,354 alleles (0.00012%); highest among the groups gnomAD compares: East Asian, 0.0022%; no homozygotes.

Submission:

Ambry Genetics
Classification: Uncertain significance for Inborn genetic diseases. Last evaluated: 2024-01-14. Review status: criteria provided, single submitter. Criteria: Ambry Variant Classification Scheme 2023. Collection method: clinical testing. Allele origin: germline.
Comment: The p.I412M variant (also known as c.1236C>G), located in coding exon 9 of the EPAS1 gene, results from a C to G substitution at nucleotide position 1236. The isoleucine at codon 412 is replaced by methionine, an amino acid with highly similar properties. This amino acid position is conserved. In addition, this alteration is predicted to be tolerated by in silico analysis. Since supporting evidence is limited at this time, the clinical significance of this alteration remains unclear.

NM_001430.5(EPAS1):c.1236C>G (p.Ile412Met)

Gene: EPAS1 (endothelial PAS domain protein 1; plus strand). Cytogenetic location: 2p21.
Variant type: single nucleotide variant.
Coding change: c.1236C>G on transcript NM_001430.5 (MANE Select); coding-DNA position 1236, C replaced by G.
Protein change: p.Ile412Met; replaces isoleucine 412 with methionine.
Molecular consequence: missense variant.
Genome position (GRCh38, 1-based): chr2:46,376,740, C>G. VCF-style: chr2-46376740-C-G. GRCh37 (hg19) VCF-style: chr2-46603879-C-G.
Other names: short protein forms I412M.
Identifiers: ClinVar variation 3221533 (VCV003221533.1), dbSNP rs1199645574, ClinGen allele CA346703470.
Genomic context (GRCh38, chr2:46,376,740, plus strand): 5'-GCTAAAGGAGGAGCCCGAGGAGCTGGCCCAGCTGGCTCCCACCCCAGGAGACGCCATCAT[C>G]TCTCTGGATTTCGGTGGGTGCTTCTTAGCTAAGCCAGGCCCCTGGAACCCCGTTGGGGCT-3'
Protein context (NP_001421.2, residues 402-422): QLAPTPGDAI[Ile412Met]SLDFGNQNFE